The following is an entry in ClinVar:

NM_001374353.1(GLI2):c.640G>T (p.Asp214Tyr)

Gene: GLI2 (GLI family zinc finger 2; plus strand). Cytogenetic location: 2q14.2.
Variant type: single nucleotide variant.
Coding change: c.640G>T on transcript NM_001374353.1 (MANE Select); coding-DNA position 640, G replaced by T.
Protein change: p.Asp214Tyr; replaces aspartic acid 214 with tyrosine.
Molecular consequence: missense variant.
Genome position (GRCh38, 1-based): chr2:120,955,427, G>T. VCF-style: chr2-120955427-G-T. GRCh37 (hg19) VCF-style: chr2-121713003-G-T.
Other names: c.640G>T, p.Asp214Tyr (NM_001371271.1, NM_005270.5); c.265G>T, p.Asp89Tyr (NM_001374354.1); short protein forms D214Y, D89Y.
Identifiers: ClinVar variation 3897186 (VCV003897186.2).

ClinVar aggregate classification (germline): Uncertain significance (1 of 4 stars; one submission).

Submission:

GeneDx
Classification: Uncertain significance. Last evaluated: 2026-09-07. Review status: criteria provided, single submitter. Criteria: GeneDx Variant Classification Process June 2021. Collection method: clinical testing. Allele origin: germline.
Comment: Not observed at significant frequency in large population cohorts (gnomAD); In silico analysis supports that this missense variant has a deleterious effect on protein structure/function; Has not been previously published as pathogenic or benign to our knowledge